The following is an entry in ClinVar:

ClinVar aggregate classification (germline): Pathogenic (1 of 4 stars; one submission).

Conditions:
Abetalipoproteinaemia (ABL). Also called: Abetalipoproteinemia; Abetalipoproteinemia neuropathy; Apolipoprotein B deficiency; Congenital betalipoprotein deficiency syndrome; MTP DEFICIENCY. Identifiers: Orphanet 14, MedGen C0000744, MONDO:0008692, OMIM 200100, HP:0008181.

Submission:

Myriad Genetics, Inc.
Classification: Pathogenic for Abetalipoproteinaemia. Last evaluated: 2025-11-20. Review status: criteria provided, single submitter. Criteria: Myriad Autosomal Dominant, Autosomal Recessive and X-Linked Classification Criteria (2023). Collection method: clinical testing. Allele origin: unknown.
Comment: NM_000253.2(MTTP):c.2090_2091delTT(F697*) is a nonsense variant classified as pathogenic in the context of abetalipoproteinemia. F697* has not been observed in cases with relevant disease. Relevant functional assessments of this variant are not available in the literature. F697* has not been observed in referenced population frequency databases. In summary, NM_000253.2(MTTP):c.2090_2091delTT(F697*) is a nonsense variant in a gene where loss of function is a known mechanism of disease and is predicted to disrupt protein function. Please note: this variant was assessed in the context of healthy population screening.

NM_001386140.1(MTTP):c.2090_2091del (p.Leu696_Phe697insTer)

Gene: MTTP (microsomal triglyceride transfer protein; plus strand). Cytogenetic location: 4q23.
Variant type: Deletion.
Coding change: c.2090_2091del on transcript NM_001386140.1 (MANE Select); coding-DNA positions 2090 to 2091, 2 bases deleted (TT; older notation c.2090_2091delTT).
Protein change: p.Leu696_Phe697insTer.
Molecular consequence: nonsense.
Genome position (GRCh38, 1-based): chr4:99,613,013-99,613,014, TT deleted; deleting any 2 consecutive bases within chr4:99,613,012-99,613,014 gives the same sequence; the c. name uses the placement nearest the transcript's 3' end. VCF-style (leftmost placement, unchanged base first): chr4-99613011-CTT-C. GRCh37 (hg19) VCF-style: chr4-100534168-CTT-C.
Other names: c.2090_2091del, p.Leu696_Phe697insTer (NM_000253.4); c.1841_1842del, p.Leu613_Phe614insTer (NM_001300785.2).
Identifiers: ClinVar variation 5004291 (VCV005004291.1).
Genomic context (GRCh38, chr4:99,613,011, plus strand): 5'-AGCCACCCCTGACGAGGGGGAGGAGAACCTTGACTCCTATGCTGGTATGTCAGCCATCCT[CTT>C]TGATGTTCAGCTCAGACCTGTCACCTTTTTCAACGGATACAGTGATTTGATGTCCAAAAT-3'